The following is an entry in ClinVar:

ClinVar aggregate classification (germline): Uncertain significance (1 of 4 stars; one submission).

Conditions:
Atrioventricular septal defect 4 (AVSD4). Identifiers: MedGen C3280781, MONDO:0013747, OMIM 614430.

gnomAD v4.1: 5 of 1,275,892 alleles (0.00039%); highest among the groups gnomAD compares: East Asian, 0.0033%; no homozygotes.

Submission:

Labcorp Genetics (formerly Invitae), Labcorp
Classification: Uncertain significance for Atrioventricular septal defect 4. Last evaluated: 2025-01-30. Review status: criteria provided, single submitter. Criteria: Invitae Variant Classification Sherloc (09022015). Collection method: clinical testing. Allele origin: germline.
Comment: This sequence change replaces arginine, which is basic and polar, with glycine, which is neutral and non-polar, at codon 127 of the GATA4 protein (p.Arg127Gly). This variant is not present in population databases (gnomAD no frequency). This variant has not been reported in the literature in individuals affected with GATA4-related conditions. Invitae Evidence Modeling of protein sequence and biophysical properties (such as structural, functional, and spatial information, amino acid conservation, physicochemical variation, residue mobility, and thermodynamic stability) has been performed for this missense variant. However, the output from this modeling did not meet the statistical confidence thresholds required to predict the impact of this variant on GATA4 protein function. In summary, the available evidence is currently insufficient to determine the role of this variant in disease. Therefore, it has been classified as a Variant of Uncertain Significance.

NM_001308093.3(GATA4):c.379C>G (p.Arg127Gly)

Gene: GATA4 (GATA binding protein 4). Cytogenetic location: 8p23.1.
Variant type: single nucleotide variant.
Coding change: c.379C>G on transcript NM_001308093.3 (MANE Select); coding-DNA position 379, C replaced by G.
Protein change: p.Arg127Gly; replaces arginine 127 with glycine.
Molecular consequence: missense variant. On other transcripts: intron variant (3).
Genome position (GRCh38, 1-based): chr8:11,708,691, C>G. VCF-style: chr8-11708691-C-G. GRCh37 (hg19) VCF-style: chr8-11566200-C-G.
Other names: c.379C>G, p.Arg127Gly (NM_002052.5); c.-6+7913C>G (NM_001308094.2); c.-3+677C>G (NM_001374274.1); c.-3+4387C>G (NM_001374273.1); short protein forms R127G.
Identifiers: ClinVar variation 3626354 (VCV003626354.2).